The following is an entry in ClinVar:

NM_032383.5(HPS3):c.2015C>A (p.Ser672Ter)

Gene: HPS3 (HPS3 biogenesis of lysosomal organelles complex 2 subunit 1; plus strand). Cytogenetic location: 3q24.
Variant type: single nucleotide variant.
Coding change: c.2015C>A on transcript NM_032383.5 (MANE Select); coding-DNA position 2015, C replaced by A.
Protein change: p.Ser672Ter; replaces serine 672 with a stop codon.
Molecular consequence: nonsense.
Genome position (GRCh38, 1-based): chr3:149,160,188, C>A. VCF-style: chr3-149160188-C-A. GRCh37 (hg19) VCF-style: chr3-148877975-C-A.
Other names: c.1520C>A, p.Ser507Ter (NM_001308258.2); short protein forms S507*, S672*.
Identifiers: ClinVar variation 5015112 (VCV005015112.1).

ClinVar aggregate classification (germline): Pathogenic (1 of 4 stars; one submission).

Conditions:
Hermansky-Pudlak syndrome 3 (HPS3). Identifiers: Orphanet 231512, Orphanet 79430, MedGen C3888001, MONDO:0013555, OMIM 614072.

Submission:

Myriad Genetics, Inc.
Classification: Pathogenic for Hermansky-Pudlak syndrome 3. Last evaluated: 2025-10-21. Review status: criteria provided, single submitter. Criteria: Myriad Autosomal Dominant, Autosomal Recessive and X-Linked Classification Criteria (2023). Collection method: clinical testing. Allele origin: unknown.
Comment: NM_032383.3(HPS3):c.2015C>A(S672*) is expected to be pathogenic in the context of Hermansky-Pudlak syndrome, HPS3-related. This variant is predicted to lead to an abnormal or absent protein product due to the creation of a premature termination codon in HPS3, a gene where loss-of-function variants are known to be pathogenic. Please note: this variant was assessed in the context of healthy population screening.